The following is an entry in ClinVar:

ClinVar aggregate classification (germline): Uncertain significance. Review status: criteria provided, multiple submitters, no conflicts (2 of 4 stars). 2 submissions from 2 submitters: Uncertain significance (2). Last evaluated 2024-08-14.

Allele frequency attached by ClinVar (database versions not stated): gnomAD 0.00001; ExAC 0.00002; gnomAD exomes 0.00002.
gnomAD v4.1: 18 of 1,614,006 alleles (0.0011%); highest among the groups gnomAD compares: Non-Finnish European, 0.0014%; no homozygotes.

Submissions (2):

Ambry Genetics
Classification: Uncertain significance. Last evaluated: 2024-08-14. Review status: criteria provided, single submitter. Criteria: Ambry Variant Classification Scheme 2023. Collection method: clinical testing. Allele origin: germline.

Labcorp Genetics (formerly Invitae), Labcorp
Classification: Uncertain significance. Last evaluated: 2023-07-07. Review status: criteria provided, single submitter. Criteria: Invitae Variant Classification Sherloc (09022015). Collection method: clinical testing. Allele origin: germline.
Comment: This variant has not been reported in the literature in individuals affected with HMCN1-related conditions. This variant is present in population databases (rs770590855, gnomAD 0.004%). This sequence change replaces aspartic acid, which is acidic and polar, with asparagine, which is neutral and polar, at codon 5350 of the HMCN1 protein (p.Asp5350Asn). ClinVar contains an entry for this variant (Variation ID: 1367033). In summary, the available evidence is currently insufficient to determine the role of this variant in disease. Therefore, it has been classified as a Variant of Uncertain Significance. An algorithm developed to predict the effect of missense changes on protein structure and function (PolyPhen-2) suggests that this variant is likely to be disruptive.

NM_031935.3(HMCN1):c.16048G>A (p.Asp5350Asn)

Gene: HMCN1 (hemicentin 1; plus strand). Cytogenetic location: 1q31.1.
Variant type: single nucleotide variant.
Coding change: c.16048G>A on transcript NM_031935.3 (MANE Select); coding-DNA position 16048, G replaced by A.
Protein change: p.Asp5350Asn; replaces aspartic acid 5350 with asparagine.
Molecular consequence: missense variant.
Genome position (GRCh38, 1-based): chr1:186,178,520, G>A. VCF-style: chr1-186178520-G-A. GRCh37 (hg19) VCF-style: chr1-186147652-G-A.
Other names: c.16048G>A (NM_031935.2); short protein forms D5350N.
Identifiers: ClinVar variation 1367033 (VCV001367033.7), dbSNP rs770590855, ClinGen allele CA1295468.
Genomic context (GRCh38, chr1:186,178,520, plus strand): 5'-TGCTCCAACACCCCCGGCAGCTTCAAGTGTATCTGTCCACCAGGACAACATTTATTAGGG[G>A]ACGGGAAATCTTGCGCTGGATTGGAGAGGCTGCCAAATTATGGCACTCAATACAGTAGCT-3'
Protein context (NP_114141.2, residues 5340-5360): ICPPGQHLLG[Asp5350Asn]GKSCAGLERL